The following is an entry in ClinVar:

NM_004260.4(RECQL4):c.71G>A (p.Arg24Gln)

Genes: RECQL4 (RecQ like helicase 4; minus strand), LOC130001411 (ATAC-STARR-seq lymphoblastoid silent region 19699; plus strand). Cytogenetic location: 8q24.3.
Variant type: single nucleotide variant.
Coding change: c.71G>A on transcript NM_004260.4 (MANE Select); coding-DNA position 71, G replaced by A.
Protein change: p.Arg24Gln; replaces arginine 24 with glutamine.
Molecular consequence: missense variant.
Genome position (GRCh38, 1-based): chr8:144,517,714, C>T on the plus strand (G>A on the coding strand, the complement: RECQL4 is on the minus strand). VCF-style: chr8-144517714-C-T. GRCh37 (hg19) VCF-style: chr8-145743098-C-T.
Other names: short protein forms R24Q.
Identifiers: ClinVar variation 955405 (VCV000955405.9), dbSNP rs1296633763, ClinGen allele CA372693674.

ClinVar aggregate classification (germline): Uncertain significance. Review status: criteria provided, multiple submitters, no conflicts (2 of 4 stars). 3 submissions from 3 submitters: Uncertain significance (3). Last evaluated 2024-11-23.

Conditions:
Inborn genetic diseases. Identifiers: MedGen C0950123, MeSH D030342.
Baller-Gerold syndrome (BGS). Also called: CRANIOSYNOSTOSIS WITH RADIAL DEFECTS. Identifiers: Orphanet 1225, MedGen C0265308, MONDO:0009039, OMIM 218600.

gnomAD v4.1: 9 of 1,362,748 alleles (0.00066%); highest among the groups gnomAD compares: Non-Finnish European, 0.00085%; no homozygotes.

Submissions (3):

Ambry Genetics
Classification: Uncertain significance for Inborn genetic diseases. Last evaluated: 2024-11-23. Review status: criteria provided, single submitter. Criteria: Ambry Variant Classification Scheme 2023. Collection method: clinical testing. Allele origin: germline.
Comment: The p.R24Q variant (also known as c.71G>A), located in coding exon 1 of the RECQL4 gene, results from a G to A substitution at nucleotide position 71. The arginine at codon 24 is replaced by glutamine, an amino acid with highly similar properties. This amino acid position is conserved. In addition, the in silico prediction for this alteration is inconclusive. Based on the available evidence, the clinical significance of this variant remains unclear.

Blueprint Genetics
Classification: Uncertain significance. Last evaluated: 2024-05-14. Review status: criteria provided, single submitter. Criteria: ACMG Guidelines, 2015. Collection method: clinical testing. Allele origin: germline.

Labcorp Genetics (formerly Invitae), Labcorp
Classification: Uncertain significance for Baller-Gerold syndrome. Last evaluated: 2023-10-05. Review status: criteria provided, single submitter. Criteria: Invitae Variant Classification Sherloc (09022015). Collection method: clinical testing. Allele origin: germline.
Comment: This sequence change replaces arginine, which is basic and polar, with glutamine, which is neutral and polar, at codon 24 of the RECQL4 protein (p.Arg24Gln). The frequency data for this variant in the population databases is considered unreliable, as metrics indicate poor data quality at this position in the gnomAD database. This variant has not been reported in the literature in individuals affected with RECQL4-related conditions. ClinVar contains an entry for this variant (Variation ID: 955405). Experimental studies and prediction algorithms are not available or were not evaluated, and the functional significance of this variant is currently unknown. In summary, the available evidence is currently insufficient to determine the role of this variant in disease. Therefore, it has been classified as a Variant of Uncertain Significance.